The following is an entry in ClinVar:

NM_015338.6(ASXL1):c.3980C>T (p.Ala1327Val)

Gene: ASXL1 (ASXL transcriptional regulator 1; plus strand). Cytogenetic location: 20q11.21.
Variant type: single nucleotide variant.
Coding change: c.3980C>T on transcript NM_015338.6 (MANE Select); coding-DNA position 3980, C replaced by T.
Protein change: p.Ala1327Val; replaces alanine 1327 with valine.
Molecular consequence: missense variant.
Genome position (GRCh38, 1-based): chr20:32,436,692, C>T. VCF-style: chr20-32436692-C-T. GRCh37 (hg19) VCF-style: chr20-31024495-C-T.
Other names: c.3797C>T, p.Ala1266Val (NM_001363734.1); short protein forms A1327V, A1266V.
Identifiers: ClinVar variation 3794526 (VCV003794526.2).

ClinVar aggregate classification (germline): Uncertain significance (1 of 4 stars; one submission).

Conditions:
Inborn genetic diseases. Identifiers: MedGen C0950123, MeSH D030342.

gnomAD v4.1: 5 of 1,613,898 alleles (0.00031%); highest among the groups gnomAD compares: African/African-American, 0.0013%; no homozygotes.

Submission:

Ambry Genetics
Classification: Uncertain significance for Inborn genetic diseases. Last evaluated: 2025-08-24. Review status: criteria provided, single submitter. Criteria: Ambry Variant Classification Scheme 2023. Collection method: clinical testing. Allele origin: germline.
Comment: The p.A1327V variant (also known as c.3980C>T), located in coding exon 13 of the ASXL1 gene, results from a C to T substitution at nucleotide position 3980. The alanine at codon 1327 is replaced by valine, an amino acid with similar properties. This amino acid position is conserved. In addition, this alteration is predicted to be tolerated by in silico analysis. Based on the available evidence, the clinical significance of this variant remains unclear.